The following is an entry in ClinVar:

NM_020778.5(ALPK3):c.1408T>C (p.Leu470=)

Gene: ALPK3 (alpha kinase 3; plus strand). Cytogenetic location: 15q25.3.
Variant type: single nucleotide variant.
Coding change: c.1408T>C on transcript NM_020778.5 (MANE Select); coding-DNA position 1408, T replaced by C.
Protein change: p.Leu470=; no amino-acid change (leucine 470 retained).
Molecular consequence: synonymous variant.
Genome position (GRCh38, 1-based): chr15:84,840,687, T>C. VCF-style: chr15-84840687-T-C. GRCh37 (hg19) VCF-style: chr15-85383918-T-C.
Identifiers: ClinVar variation 1621149 (VCV001621149.12), dbSNP rs770190564, ClinGen allele CA7709181.
Genomic context (GRCh38, chr15:84,840,687, plus strand): 5'-GCACCCCTCAGGGCTAGAAGCGAGGGGGTGCCTGGCGCTCCTGGCCAGCCCACACACTCC[T>C]TGACCCCCCAGCCGACTAGGCCTTTCAACAGAAAGAGATTTGCCCCTCCAAAGCCCAAAG-3'
Protein context (NP_065829.4, residues 460-480): PGAPGQPTHS[Leu470=]TPQPTRPFNR

ClinVar aggregate classification (germline): Likely benign. Review status: criteria provided, multiple submitters, no conflicts (2 of 4 stars). 3 submissions from 3 submitters: Likely benign (2). 1 of the submissions does not count toward it. Last evaluated 2025-11-05.

Conditions:
Cardiovascular phenotype. Identifiers: MedGen CN230736.
ALPK3-related disorder. Also called: ALPK3-related condition.

Allele frequency attached by ClinVar (database versions not stated): gnomAD exomes 0.00002 and 0.00004; ExAC 0.00004; gnomAD 0.00006 and 0.00007; TOPMed 0.00007.
gnomAD v4.1: 38 of 1,606,108 alleles (0.0024%); highest among the groups gnomAD compares: African/African-American, 0.023%; no homozygotes.

Submissions (3):

Labcorp Genetics (formerly Invitae), Labcorp
Classification: Likely benign. Last evaluated: 2025-11-05. Review status: criteria provided, single submitter. Criteria: Invitae Variant Classification Sherloc (09022015). Collection method: clinical testing. Allele origin: germline.

Ambry Genetics
Classification: Likely benign for Cardiovascular phenotype. Last evaluated: 2021-03-31. Review status: criteria provided, single submitter. Criteria: Ambry Variant Classification Scheme 2023. Collection method: clinical testing. Allele origin: germline.

PreventionGenetics, part of Exact Sciences
Classification: Likely benign for ALPK3-related condition. Last evaluated: 2019-04-20. Review status: no assertion criteria provided. Collection method: clinical testing. Allele origin: germline. Not counted in ClinVar's aggregate classification.
Comment: This variant is classified as likely benign based on ACMG/AMP sequence variant interpretation guidelines (Richards et al. 2015 PMID: 25741868, with internal and published modifications).